The following is an entry in ClinVar:

ClinVar aggregate classification (germline): Likely benign (1 of 4 stars; one submission).

Conditions:
GLS-related disorder. Also called: GLS-related condition.

gnomAD v4.1: 1 of 1,613,824 alleles (0.000062%); highest among the groups gnomAD compares: Non-Finnish European, 0.000085%; no homozygotes.

Submission:

PreventionGenetics, part of Exact Sciences
Classification: Likely benign for GLS-related condition. Last evaluated: 2026-02-19. Review status: criteria provided, single submitter. Criteria: ACMG Guidelines, 2015. Collection method: clinical testing. Allele origin: germline.
Comment: This variant is classified as likely benign based on ACMG/AMP sequence variant interpretation guidelines (Richards et al. 2015 PMID: 25741868, with internal and published modifications).

NM_014905.5(GLS):c.1790-10G>A

Gene: GLS (glutaminase; plus strand). Cytogenetic location: 2q32.2.
Variant type: single nucleotide variant.
Coding change: c.1790-10G>A on transcript NM_014905.5 (MANE Select); 10 bases into the intron before coding-DNA position 1790, G replaced by A.
Molecular consequence: intron variant.
Genome position (GRCh38, 1-based): chr2:190,954,745, G>A. VCF-style: chr2-190954745-G-A. GRCh37 (hg19) VCF-style: chr2-191819471-G-A.
Other names: c.1789+85G>A (NM_001437282.1).
Identifiers: ClinVar variation 4996121 (VCV004996121.1).